The following is an entry in ClinVar:

NC_000016.9:g.(?_28909311)_(28915526_?)dup

Gene: ATP2A1 (ATPase sarcoplasmic/endoplasmic reticulum Ca2+ transporting 1; plus strand). Cytogenetic location: 16p11.2.
Variant type: Duplication.
Identifiers: ClinVar variation 1017743 (VCV001017743.8).

ClinVar aggregate classification (germline): Uncertain significance (1 of 4 stars; one submission).

Conditions:
Brody myopathy. Also called: BRODY DISEASE. Identifiers: Orphanet 53347, MedGen C1832918, MONDO:0010977, OMIM 601003.

Submission:

Labcorp Genetics (formerly Invitae), Labcorp
Classification: Uncertain significance for Brody myopathy. Last evaluated: 2022-07-25. Review status: criteria provided, single submitter. Criteria: Invitae Variant Classification Sherloc (09022015). Collection method: clinical testing. Allele origin: germline.
Comment: In summary, the available evidence is currently insufficient to determine the role of this variant in disease. Therefore, it has been classified as a Variant of Uncertain Significance. This variant has not been reported in the literature in individuals affected with ATP2A1-related conditions. This variant results in a copy number gain of the genomic region encompassing exon(s) 13-22 of the ATP2A1 gene. This region includes the termination codon of the gene. This copy number gain extends beyond the assayed region for this gene and therefore may encompass additional genes. As the precise location of this event is unknown, it may be in tandem or it may be located elsewhere in the genome.